The following is an entry in ClinVar:

ClinVar aggregate classification (germline): Uncertain significance (1 of 4 stars; one submission).

Conditions:
Dilated cardiomyopathy 1D. Identifiers: Orphanet 154, Orphanet 54260, MedGen C1832243, MONDO:0011095, OMIM 601494.
Cardiomyopathy, familial restrictive, 3. Identifiers: Orphanet 75249, MedGen C2676271, MONDO:0012900, OMIM 612422.
Hypertrophic cardiomyopathy 2. Also called: TNNT2-Related Familial Hypertrophic Cardiomyopathy. Identifiers: MedGen C1861864, MONDO:0007266, OMIM 115195.

Submission:

Labcorp Genetics (formerly Invitae), Labcorp
Classification: Uncertain significance for Cardiomyopathy, familial restrictive, 3; Hypertrophic cardiomyopathy 2; Dilated cardiomyopathy 1D. Last evaluated: 2023-11-06. Review status: criteria provided, single submitter. Criteria: Invitae Variant Classification Sherloc (09022015). Collection method: clinical testing. Allele origin: germline.
Comment: This sequence change falls in intron 6 of the TNNT2 gene. It does not directly change the encoded amino acid sequence of the TNNT2 protein. It affects a nucleotide within the consensus splice site. This variant is not present in population databases (gnomAD no frequency). This variant has not been reported in the literature in individuals affected with TNNT2-related conditions. Variants that disrupt the consensus splice site are a relatively common cause of aberrant splicing (PMID: 17576681, 9536098). Algorithms developed to predict the effect of sequence changes on RNA splicing suggest that this variant is not likely to affect RNA splicing. In summary, the available evidence is currently insufficient to determine the role of this variant in disease. Therefore, it has been classified as a Variant of Uncertain Significance.

Literature cited by the submitters: PubMed 17576681; PubMed 9536098.

NM_001276345.2(TNNT2):c.199+5G>A

Gene: TNNT2 (troponin T2, cardiac type; minus strand). Cytogenetic location: 1q32.1.
Variant type: single nucleotide variant.
Coding change: c.199+5G>A on transcript NM_001276345.2 (MANE Select); 5 bases into the intron after coding-DNA position 199, G replaced by A.
Molecular consequence: intron variant.
Genome position (GRCh38, 1-based): chr1:201,367,766, C>T on the plus strand (G>A on the coding strand, the complement: TNNT2 is on the minus strand). VCF-style: chr1-201367766-C-T. GRCh37 (hg19) VCF-style: chr1-201336894-C-T.
Other names: c.169+5G>A (NM_001406727.1, NM_001406724.1, NM_001001431.3 and 3 more transcripts); c.154+5G>A (NM_001001432.3, NM_001406728.1); c.166+5G>A (NM_001406725.1); c.196+5G>A (NM_001276346.2); c.199+5G>A (NM_000364.4, NM_001406723.1).
Identifiers: ClinVar variation 2930205 (VCV002930205.3), dbSNP rs2527068572, ClinGen allele CA2740090314.